The following is an entry in ClinVar:

NM_014989.7(RIMS1):c.4169C>A (p.Thr1390Asn)

Gene: RIMS1 (regulating synaptic membrane exocytosis 1; plus strand). Cytogenetic location: 6q13.
Variant type: single nucleotide variant.
Coding change: c.4169C>A on transcript NM_014989.7 (MANE Select); coding-DNA position 4169, C replaced by A.
Protein change: p.Thr1390Asn; replaces threonine 1390 with asparagine.
Molecular consequence: missense variant. On other transcripts: intron variant (24).
Genome position (GRCh38, 1-based): chr6:72,333,638, C>A. VCF-style: chr6-72333638-C-A. GRCh37 (hg19) VCF-style: chr6-73043341-C-A.
Other names: c.2129C>A, p.Thr710Asn (NM_001168407.2); c.2090C>A, p.Thr697Asn (NM_001350414.2); c.2186C>A, p.Thr729Asn (NM_001350415.2); c.2135C>A, p.Thr712Asn (NM_001350416.2); c.2108C>A, p.Thr703Asn (NM_001350418.2); c.2243C>A, p.Thr748Asn (NM_001350420.2); c.1988C>A, p.Thr663Asn (NM_001350421.2); c.1877C>A, p.Thr626Asn (NM_001350423.2); and 53 more; short protein forms T621N, T626N, T636N, T680N, T693N, T711N, T742N, T1390N.
Identifiers: ClinVar variation 4727878 (VCV004727878.1).

ClinVar aggregate classification (germline): Uncertain significance (1 of 4 stars; one submission).

gnomAD v4.1: 1 of 1,596,902 alleles (0.000063%); no homozygotes.

Submission:

Labcorp Genetics (formerly Invitae), Labcorp
Classification: Uncertain significance. Last evaluated: 2025-09-25. Review status: criteria provided, single submitter. Criteria: Invitae Variant Classification Sherloc (09022015). Collection method: clinical testing. Allele origin: germline.
Comment: This sequence change replaces threonine, which is neutral and polar, with asparagine, which is neutral and polar, at codon 1390 of the RIMS1 protein (p.Thr1390Asn). This variant is not present in population databases (gnomAD no frequency). This variant has not been reported in the literature in individuals affected with RIMS1-related conditions. An algorithm developed to predict the effect of missense changes on protein structure and function (PolyPhen-2) suggests that this variant is likely to be tolerated. In summary, the available evidence is currently insufficient to determine the role of this variant in disease. Therefore, it has been classified as a Variant of Uncertain Significance.